The following is an entry in ClinVar:

ClinVar aggregate classification (germline): Pathogenic. Review status: criteria provided, multiple submitters, no conflicts (2 of 4 stars). 2 submissions from 2 submitters: Pathogenic (2). Last evaluated 2020-02-22.

Conditions:
X-linked severe combined immunodeficiency (SCIDX1). Also called: T-B+ severe combined immunodeficiency due to gamma chain deficiency; SCID, X-LINKED; SEVERE COMBINED IMMUNODEFICIENCY, X-LINKED, T CELL-NEGATIVE, B CELL-POSITIVE, NK CELL-NEGATIVE; IMMUNODEFICIENCY 4; X-Linked Combined Immunodeficiency Diseases. Identifiers: Orphanet 276, MedGen C6022468, MONDO:0010315, OMIM 300400. Disease mechanism: loss of function.

Submissions (2):

Labcorp Genetics (formerly Invitae), Labcorp
Classification: Pathogenic for X-linked severe combined immunodeficiency. Last evaluated: 2020-02-22. Review status: criteria provided, single submitter. Criteria: Invitae Variant Classification Sherloc (09022015). Collection method: clinical testing. Allele origin: germline.
Comment: For these reasons, this variant has been classified as Pathogenic. Loss-of-function variants in IL2RG are known to be pathogenic (PMID: 9058718, 10794430). This variant has not been reported in the literature in individuals with IL2RG-related conditions. This variant is not present in population databases (ExAC no frequency). This sequence change creates a premature translational stop signal (p.Ser76Cysfs*2) in the IL2RG gene. It is expected to result in an absent or disrupted protein product.

GeneDx
Classification: Pathogenic. Last evaluated: 2019-02-18. Review status: criteria provided, single submitter. Criteria: GeneDx Variant Classification (06012015). Collection method: clinical testing. Allele origin: germline. Affected: yes.
Comment: The c.225_226insTGCT variant in the IL2RG gene has not been reported previously as a pathogenic variant nor as a benign variant, to our knowledge. The c.225_226insTGCT variant causes a frameshift starting with codon Serine 76, changes this amino acid to a Cysteine residue, and creates a premature Stop codon at position 2 of the new reading frame, denoted p.Ser76CysfsX2. This variant is predicted to cause loss of normal protein function either through protein truncation or nonsense-mediated mRNA decay. The c.225_226insTGCT variant is not observed in large population cohorts (Lek et al., 2016). We interpret c.225_226insTGCT as a pathogenic variant.

Literature cited by the submitters: PubMed 9058718 (cited by Labcorp Genetics (formerly Invitae), Labcorp); PubMed 10794430 (cited by Labcorp Genetics (formerly Invitae), Labcorp).

NM_000206.3(IL2RG):c.225_226insTGCT (p.Ser76delinsCysTer)

Gene: IL2RG (interleukin 2 receptor subunit gamma; minus strand). Cytogenetic location: Xq13.1.
Variant type: Insertion.
Coding change: c.225_226insTGCT on transcript NM_000206.3 (MANE Select); coding-DNA positions 225 to 226, TGCT inserted.
Protein change: p.Ser76delinsCysTer.
Molecular consequence: nonsense.
Genome position: GRCh38 VCF-style: chrX-71110940-T-TAGCA. GRCh37 (hg19) VCF-style: chrX-70330790-T-TAGCA.
Identifiers: ClinVar variation 817464 (VCV000817464.8), dbSNP rs1602289631, ClinGen allele CA915951163.
Genomic context (GRCh38, chrX:71,110,940, plus strand): 5'-CTCGTCCCTTCTCATACCAATAATGCAGAGTGAGGTTGGTAGGCTGGGGCTCAGAGCTGC[T>TAGCA]GTTCCAAGTGCAATTCATGTACTCGACATTGAACACAAAACACTGAACCTCTGGGAGGGG-3'